The following is an entry in ClinVar:

NM_025265.4(TSEN2):c.215C>A (p.Ser72Ter)

Gene: TSEN2 (tRNA splicing endonuclease subunit 2; plus strand). Cytogenetic location: 3p25.2.
Variant type: single nucleotide variant.
Coding change: c.215C>A on transcript NM_025265.4 (MANE Select); coding-DNA position 215, C replaced by A.
Protein change: p.Ser72Ter; replaces serine 72 with a stop codon.
Molecular consequence: nonsense. On other transcripts: non-coding transcript variant (1).
Genome position (GRCh38, 1-based): chr3:12,492,161, C>A. VCF-style: chr3-12492161-C-A. GRCh37 (hg19) VCF-style: chr3-12533660-C-A.
Other names: c.215C>A, p.Ser72Ter (NM_001145392.2, NM_001145393.3, NM_001145394.2 and 3 more transcripts); short protein forms S72*.
Identifiers: ClinVar variation 2228672 (VCV002228672.3), dbSNP rs1289878587, ClinGen allele CA351467154.
Genomic context (GRCh38, chr3:12,492,161, plus strand): 5'-GCATGAACTAACTTCATTTTCTCTCTTCCTGGAAGGGTTATTTTGGAAAAGGTATTCTTT[C>A]AAGAAGCCGTCCAAGCTTCACAATTTCAGATCCTAAACTGGTTGCTAAATGGAAAGGTAA-3'

ClinVar aggregate classification (germline): Pathogenic (1 of 4 stars; one submission).

Conditions:
Inborn genetic diseases. Identifiers: MedGen C0950123, MeSH D030342.

Allele frequency attached by ClinVar (database versions not stated): gnomAD exomes below 0.00001; TOPMed below 0.00001.
gnomAD v4.1: 1 of 1,614,092 alleles (0.000062%); highest among the groups gnomAD compares: East Asian, 0.0022%; no homozygotes.

Submission:

Ambry Genetics
Classification: Pathogenic for Inborn genetic diseases. Last evaluated: 2021-01-08. Review status: criteria provided, single submitter. Criteria: Ambry Variant Classification Scheme 2023. Collection method: clinical testing. Allele origin: germline.
Comment: The c.215C>A (p.S72*) alteration, located in exon 3 (coding exon 2) of the TSEN2 gene, consists of a C to A substitution at nucleotide position 215. This alteration is expected to result in loss of function by premature protein truncation or nonsense-mediated mRNA decay. Based on the available evidence, this alteration is classified as pathogenic.